The following is an entry in ClinVar:

ClinVar aggregate classification (germline): Uncertain significance. Review status: criteria provided, multiple submitters, no conflicts (2 of 4 stars). 2 submissions from 2 submitters: Uncertain significance (2). Last evaluated 2026-01-11.

Conditions:
Inborn genetic diseases. Identifiers: MedGen C0950123, MeSH D030342.

Submissions (2):

Labcorp Genetics (formerly Invitae), Labcorp
Classification: Uncertain significance. Last evaluated: 2026-01-11. Review status: criteria provided, single submitter. Criteria: Invitae Variant Classification Sherloc (09022015). Collection method: clinical testing. Allele origin: germline.
Comment: This sequence change replaces arginine, which is basic and polar, with tryptophan, which is neutral and slightly polar, at codon 407 of the KRT14 protein (p.Arg407Trp). This variant is present in population databases (no rsID available, gnomAD 0.003%). This variant has not been reported in the literature in individuals affected with KRT14-related conditions. ClinVar contains an entry for this variant (Variation ID: 4044796). Invitae Evidence Modeling of protein sequence and biophysical properties (such as structural, functional, and spatial information, amino acid conservation, physicochemical variation, residue mobility, and thermodynamic stability) has been performed for this missense variant. However, the output from this modeling did not meet the statistical confidence thresholds required to predict the impact of this variant on KRT14 protein function. In summary, the available evidence is currently insufficient to determine the role of this variant in disease. Therefore, it has been classified as a Variant of Uncertain Significance.

Ambry Genetics
Classification: Uncertain significance for Inborn genetic diseases. Last evaluated: 2025-04-15. Review status: criteria provided, single submitter. Criteria: Ambry Variant Classification Scheme 2023. Collection method: clinical testing. Allele origin: germline.

NM_000526.5(KRT14):c.1219C>T (p.Arg407Trp)

Gene: KRT14 (keratin 14; minus strand). Cytogenetic location: 17q21.2.
Variant type: single nucleotide variant.
Coding change: c.1219C>T on transcript NM_000526.5 (MANE Select); coding-DNA position 1219, C replaced by T.
Protein change: p.Arg407Trp; replaces arginine 407 with tryptophan.
Molecular consequence: missense variant.
Genome position (GRCh38, 1-based): chr17:41,583,290, G>A on the plus strand (C>T on the coding strand, the complement: KRT14 is on the minus strand). VCF-style: chr17-41583290-G-A. GRCh37 (hg19) VCF-style: chr17-39739542-G-A.
Other names: short protein forms R407W.
Identifiers: ClinVar variation 4044796 (VCV004044796.2).
Genomic context (GRCh38, chr17:41,583,290, plus strand): 5'-CTCACTGGGCGTCCTCGCCCTCCAGCAGGCGGCGGTAGGTGGCGATCTCCTGCTCCAGCC[G>A]CGTCTTCACGTCCAGCAGGATCTTGTACTCCTGGTTCTGCTGCTCCATCTCGCAGCGGAG-3'
Protein context (NP_000517.3, residues 397-417): EYKILLDVKT[Arg407Trp]LEQEIATYRR